The following is an entry in ClinVar:

NM_001082971.2(DDC):c.717G>T (p.Met239Ile)

Gene: DDC (dopa decarboxylase; minus strand). Cytogenetic location: 7p12.1.
Variant type: single nucleotide variant.
Coding change: c.717G>T on transcript NM_001082971.2 (MANE Select); coding-DNA position 717, G replaced by T.
Protein change: p.Met239Ile; replaces methionine 239 with isoleucine.
Molecular consequence: missense variant.
Genome position (GRCh38, 1-based): chr7:50,504,057, C>A on the plus strand (G>T on the coding strand, the complement: DDC is on the minus strand). VCF-style: chr7-50504057-C-A. GRCh37 (hg19) VCF-style: chr7-50571755-C-A.
Other names: p.Met239Ile; c.717G>T, p.Met239Ile (NM_000790.4, NM_001242890.2); c.603G>T, p.Met201Ile (NM_001242886.2); c.573G>T, p.Met191Ile (NM_001242887.2); c.483G>T, p.Met161Ile (NM_001242888.2); c.438G>T, p.Met146Ile (NM_001242889.2); short protein forms M191I, M201I, M239I, M146I, M161I.
Identifiers: ClinVar variation 791009 (VCV000791009.48), dbSNP rs11575377, ClinGen allele CA4262268.
Genomic context (GRCh38, chr7:50,504,057, plus strand): 5'-AGGACCGACTTCTAAGAGATTGTCAAAGGAGCAGCATGTTGTGGTCCCCAGGGTGGCAAC[C>A]ATCTAGAGGGTAAAAAGCAGACAGCCTTTTATTCCCCAGGTGCCAGTCACCGCTGTAACC-3'
Protein context (NP_001076440.2, residues 229-249): DKAAGLIPFF[Met239Ile]VATLGTTTCC

ClinVar aggregate classification (germline): Benign/Likely benign. Review status: criteria provided, multiple submitters, no conflicts (2 of 4 stars). 6 submissions from 6 submitters: Benign (4); Likely benign (1). 1 of the submissions does not count toward it. Last evaluated 2026-07-01.

Conditions:
DDC-related disorder. Also called: DDC-related condition.
Deficiency of aromatic-L-amino-acid decarboxylase. Also called: Aromatic L-Amino Acid Decarboxylase Deficiency; AADC DEFICIENCY; DDC DEFICIENCY; DOPA DECARBOXYLASE DEFICIENCY; Aromatic amino acid decarboxylase deficiency. Identifiers: Orphanet 35708, MedGen C1291564, MONDO:0012084, OMIM 608643.

Allele frequency attached by ClinVar (database versions not stated): 1000 Genomes Project 30x 0.00062; 1000 Genomes Project 0.00080; TOPMed 0.00132; ESP Exome Variant Server 0.00177; gnomAD 0.00219 and 0.00230; gnomAD exomes 0.00223; ExAC 0.00247.
gnomAD v4.1: 2,828 of 1,612,548 alleles (0.18%); highest among the groups gnomAD compares: Non-Finnish European, 0.19%; 17 homozygotes.

Submissions (6):

CeGaT Center for Human Genetics Tuebingen
Classification: Likely benign. Last evaluated: 2026-07-01. Review status: criteria provided, single submitter. Criteria: CeGaT Center For Human Genetics Tuebingen Variant Classification Criteria Version 2. Collection method: clinical testing. Allele origin: germline. Affected: yes. Observed: 20 variant alleles.
Comment: DDC: BP4, BS2

Labcorp Genetics (formerly Invitae), Labcorp
Classification: Benign for Deficiency of aromatic-L-amino-acid decarboxylase. Last evaluated: 2026-02-01. Review status: criteria provided, single submitter. Criteria: Invitae Variant Classification Sherloc (09022015). Collection method: clinical testing. Allele origin: germline.

Mayo Clinic Laboratories, Mayo Clinic
Classification: Benign. Last evaluated: 2025-07-16. Review status: criteria provided, single submitter. Criteria: ACMG Guidelines, 2015. Collection method: clinical testing. Allele origin: germline. Observed: 4 variant alleles.
Comment: BA1, BP4_moderate

Department of Pathology and Laboratory Medicine, Sinai Health System
Classification: Benign for aromatic L-amino acid decarboxylase deficiency. Last evaluated: 2021-10-19. Review status: criteria provided, single submitter. Criteria: ACMG Guidelines, 2015. Collection method: research. Allele origin: germline.

Illumina Laboratory Services, Illumina
Classification: Benign for Deficiency of aromatic-L-amino-acid decarboxylase. Last evaluated: 2017-04-27. Review status: criteria provided, single submitter. Criteria: ICSL Variant Classification Criteria 13 December 2019. Collection method: clinical testing. Allele origin: germline.
Comment: This variant was observed as part of a predisposition screen in an ostensibly healthy population. A literature search was performed for the gene, cDNA change, and amino acid change (where applicable). No publications were found based on this search. Allele frequency data from public databases was too high to be consistent with this variant causing disease. Therefore, this variant is classified as benign.

PreventionGenetics, part of Exact Sciences
Classification: Likely benign for DDC-related condition. Last evaluated: 2019-08-09. Review status: no assertion criteria provided. Collection method: clinical testing. Allele origin: germline. Not counted in ClinVar's aggregate classification.
Comment: This variant is classified as likely benign based on ACMG/AMP sequence variant interpretation guidelines (Richards et al. 2015 PMID: 25741868, with internal and published modifications).